The following is an entry in ClinVar:

NM_014994.3(MAPKBP1):c.1531G>T (p.Val511Leu)

Gene: MAPKBP1 (mitogen-activated protein kinase binding protein 1; plus strand). Cytogenetic location: 15q15.1.
Variant type: single nucleotide variant.
Coding change: c.1531G>T on transcript NM_014994.3 (MANE Select); coding-DNA position 1531, G replaced by T.
Protein change: p.Val511Leu; replaces valine 511 with leucine.
Molecular consequence: missense variant. On other transcripts: non-coding transcript variant (2).
Genome position (GRCh38, 1-based): chr15:41,816,596, G>T. VCF-style: chr15-41816596-G-T. GRCh37 (hg19) VCF-style: chr15-42108794-G-T.
Other names: p.Val517Leu; c.1549G>T, p.Val517Leu (NM_001128608.2); c.1531G>T, p.Val511Leu (NM_001265611.2); short protein forms V511L, V517L.
Identifiers: ClinVar variation 716408 (VCV000716408.14), dbSNP rs139378790, ClinGen allele CA7497854.
Genomic context (GRCh38, chr15:41,816,596, plus strand): 5'-CCCACCTCTCCTCATCTTTGCAGGGTGCACGAACTTCAGTCCCTGAGTGAGATGCTGAAG[G>T]TGGAGGCCCATGACTCTGAGATTCTGTGCCTGGAGTATTCTAAGCCAGACACAGGTTAGG-3'
Protein context (NP_055809.2, residues 501-521): ELQSLSEMLK[Val511Leu]EAHDSEILCL

ClinVar aggregate classification (germline): Conflicting classifications of pathogenicity. Review status: criteria provided, conflicting classifications (1 of 4 stars). 5 submissions from 5 submitters: Uncertain significance (1); Likely benign (3). 1 of the submissions does not count toward it. Last evaluated 2026-01-25.

Conditions:
Inborn genetic diseases. Identifiers: MedGen C0950123, MeSH D030342.
MAPKBP1-related disorder. Also called: MAPKBP1-related condition.

Allele frequency attached by ClinVar (database versions not stated): gnomAD exomes 0.00018 and 0.00056; ExAC 0.00066; 1000 Genomes Project 0.00140; 1000 Genomes Project 30x 0.00141; ESP Exome Variant Server 0.00215; gnomAD 0.00225 and 0.00241; TOPMed 0.00240.
gnomAD v4.1: 607 of 1,614,146 alleles (0.038%); highest among the groups gnomAD compares: African/African-American, 0.74%; 1 homozygote.

Submissions (5):

Labcorp Genetics (formerly Invitae), Labcorp
Classification: Likely benign. Last evaluated: 2026-01-25. Review status: criteria provided, single submitter. Criteria: Invitae Variant Classification Sherloc (09022015). Collection method: clinical testing. Allele origin: germline.

Mayo Clinic Laboratories, Mayo Clinic
Classification: Likely benign. Last evaluated: 2024-12-30. Review status: criteria provided, single submitter. Criteria: ACMG Guidelines, 2015. Collection method: clinical testing. Allele origin: germline. Observed: 3 variant alleles.
Comment: BS1, BP4

Ambry Genetics
Classification: Uncertain significance for Inborn genetic diseases. Last evaluated: 2023-04-04. Review status: criteria provided, single submitter. Criteria: Ambry Variant Classification Scheme 2023. Collection method: clinical testing. Allele origin: germline.

Breakthrough Genomics
Classification: Likely benign. Review status: criteria provided, single submitter. Criteria: ACMG Guidelines, 2015. Collection method: not provided. Allele origin: germline. Inheritance: Autosomal recessive inheritance. Affected: yes.

PreventionGenetics, part of Exact Sciences
Classification: Benign for MAPKBP1-related condition. Last evaluated: 2023-08-17. Review status: no assertion criteria provided. Collection method: clinical testing. Allele origin: germline. Not counted in ClinVar's aggregate classification.
Comment: This variant is classified as benign based on ACMG/AMP sequence variant interpretation guidelines (Richards et al. 2015 PMID: 25741868, with internal and published modifications).